The following is an entry in ClinVar:

ClinVar aggregate classification (germline): Likely benign. Review status: criteria provided, multiple submitters, no conflicts (2 of 4 stars). 2 submissions from 2 submitters: Likely benign (2). Last evaluated 2025-11-17.

Conditions:
Progressive myoclonic epilepsy. Also called: Progressive myoclonus epilepsy; Familial progressive myoclonic epilepsy; Myoclonus epilepsy; Myoclonic Epilepsies, Progressive. Identifiers: Orphanet 308, Orphanet 98261, MedGen C0751778, MONDO:0020074.

Allele frequency attached by ClinVar (database versions not stated): ExAC 0.00001; gnomAD 0.00001; gnomAD exomes 0.00002 and 0.00004; TOPMed 0.00002.
gnomAD v4.1: 55 of 1,612,690 alleles (0.0034%); highest among the groups gnomAD compares: Middle Eastern, 0.017%; no homozygotes.

Submissions (2):

Labcorp Genetics (formerly Invitae), Labcorp
Classification: Likely benign for Progressive myoclonic epilepsy. Last evaluated: 2025-11-17. Review status: criteria provided, single submitter. Criteria: Invitae Variant Classification Sherloc (09022015). Collection method: clinical testing. Allele origin: germline.

GeneDx
Classification: Likely benign. Last evaluated: 2017-02-28. Review status: criteria provided, single submitter. Criteria: GeneDx Variant Classification (06012015). Collection method: clinical testing. Allele origin: germline. Affected: yes.
Comment: This variant is considered likely benign or benign based on one or more of the following criteria: it is a conservative change, it occurs at a poorly conserved position in the protein, it is predicted to be benign by multiple in silico algorithms, and/or has population frequency not consistent with disease.

NM_005506.4(SCARB2):c.705-20C>G

Gene: SCARB2 (scavenger receptor class B member 2; minus strand). Cytogenetic location: 4q21.1.
Variant type: single nucleotide variant.
Coding change: c.705-20C>G on transcript NM_005506.4 (MANE Select); 20 bases into the intron before coding-DNA position 705, C replaced by G.
Molecular consequence: intron variant.
Genome position (GRCh38, 1-based): chr4:76,175,930, G>C on the plus strand (C>G on the coding strand, the complement: SCARB2 is on the minus strand). VCF-style: chr4-76175930-G-C. GRCh37 (hg19) VCF-style: chr4-77097083-G-C.
Other names: c.276-20C>G (NM_001204255.2).
Identifiers: ClinVar variation 509942 (VCV000509942.8), dbSNP rs747460425, ClinGen allele CA2970280.